The following is an entry in ClinVar:

NM_025237.3(SOST):c.*866C>T

Gene: SOST (sclerostin; minus strand). Cytogenetic location: 17q21.31.
Variant type: single nucleotide variant.
Coding change: c.*866C>T on transcript NM_025237.3 (MANE Select); 866 bases downstream of the stop codon, C replaced by T.
Molecular consequence: 3 prime UTR variant.
Genome position (GRCh38, 1-based): chr17:43,754,476, G>A on the plus strand (C>T on the coding strand, the complement: SOST is on the minus strand). VCF-style: chr17-43754476-G-A. GRCh37 (hg19) VCF-style: chr17-41831844-G-A.
Identifiers: ClinVar variation 323433 (VCV000323433.8), dbSNP rs75901553, ClinGen allele CA10649347.

ClinVar aggregate classification (germline): Benign. Review status: criteria provided, multiple submitters, no conflicts (2 of 4 stars). 3 submissions from 3 submitters: Benign (3). Last evaluated 2019-08-23.

Conditions:
Sclerosteosis 1 (SOST1). Also called: CORTICAL HYPEROSTOSIS WITH SYNDACTYLY. Identifiers: Orphanet 3152, MedGen C4551483, MONDO:0010016, OMIM 269500.

Allele frequency attached by ClinVar (database versions not stated): 1000 Genomes Project 0.02376; 1000 Genomes Project 30x 0.02483; TOPMed 0.04050; gnomAD 0.04086 and 0.04189.

Submissions (3):

GeneDx
Classification: Benign. Last evaluated: 2019-08-23. Review status: criteria provided, single submitter. Criteria: GeneDx Variant Classification Process June 2021. Collection method: clinical testing. Allele origin: germline. Affected: yes.
Comment: This variant is associated with the following publications: (PMID: 29307778)

Illumina Laboratory Services, Illumina
Classification: Benign for Sclerosteosis 1. Last evaluated: 2018-01-13. Review status: criteria provided, single submitter. Criteria: ICSL Variant Classification Criteria 13 December 2019. Collection method: clinical testing. Allele origin: germline.
Comment: This variant was observed in the ICSL laboratory as part of a predisposition screen in an ostensibly healthy population. It had not been previously curated by ICSL or reported in the Human Gene Mutation Database (HGMD: prior to June 1st, 2018), and was therefore a candidate for classification through an automated scoring system. Utilizing variant allele frequency, disease prevalence and penetrance estimates, and inheritance mode, an automated score was calculated to assess if this variant is too frequent to cause the disease. Based on the score and internal cut-off values, a variant classified as benign is not then subjected to further curation. The score for this variant resulted in a classification of benign for this disease.

Breakthrough Genomics
Classification: Benign. Review status: criteria provided, single submitter. Criteria: ACMG Guidelines, 2015. Collection method: not provided. Allele origin: germline. Inheritance: Autosomal recessive inheritance. Affected: yes.